The following is an entry in ClinVar:

ClinVar aggregate classification (germline): Uncertain significance (1 of 4 stars; one submission).

Conditions:
Inborn genetic diseases. Identifiers: MedGen C0950123, MeSH D030342.

gnomAD v4.1: 1 of 1,614,082 alleles (0.000062%); highest among the groups gnomAD compares: Non-Finnish European, 0.000085%; no homozygotes.

Submission:

Ambry Genetics
Classification: Uncertain significance for Inborn genetic diseases. Last evaluated: 2026-04-08. Review status: criteria provided, single submitter. Criteria: Ambry Variant Classification Scheme 2023. Collection method: clinical testing. Allele origin: germline.
Comment: The c.4739G>A (p.S1580N) alteration is located in exon 47 (coding exon 46) of the COL4A4 gene. This alteration results from a G to A substitution at nucleotide position 4739, causing the serine (S) at amino acid position 1580 to be replaced by an asparagine (N). Based on data from gnomAD, the A allele has an overall frequency of <0.001% (1/248392) total alleles studied. The highest observed frequency was <0.001% (/) of alleles. Based on insufficient or conflicting evidence, the clinical significance of this alteration remains unclear.

NM_000092.5(COL4A4):c.4739G>A (p.Ser1580Asn)

Gene: COL4A4 (collagen type IV alpha 4 chain; minus strand). Cytogenetic location: 2q36.3.
Variant type: single nucleotide variant.
Coding change: c.4739G>A on transcript NM_000092.5 (MANE Select); coding-DNA position 4739, G replaced by A.
Protein change: p.Ser1580Asn; replaces serine 1580 with asparagine.
Molecular consequence: missense variant.
Genome position (GRCh38, 1-based): chr2:227,008,088, C>T on the plus strand (G>A on the coding strand, the complement: COL4A4 is on the minus strand). VCF-style: chr2-227008088-C-T. GRCh37 (hg19) VCF-style: chr2-227872804-C-T.
Other names: short protein forms S1580N.
Identifiers: ClinVar variation 4869209 (VCV004869209.1).